The following is an entry in ClinVar:

NM_003995.4(NPR2):c.1532C>T (p.Ala511Val)

Gene: NPR2 (natriuretic peptide receptor 2; plus strand). Cytogenetic location: 9p13.3.
Variant type: single nucleotide variant.
Coding change: c.1532C>T on transcript NM_003995.4 (MANE Select); coding-DNA position 1532, C replaced by T.
Protein change: p.Ala511Val; replaces alanine 511 with valine.
Molecular consequence: missense variant.
Genome position (GRCh38, 1-based): chr9:35,801,738, C>T. VCF-style: chr9-35801738-C-T. GRCh37 (hg19) VCF-style: chr9-35801735-C-T.
Other names: c.1541C>T, p.Ala514Val (NM_001378923.1); short protein forms A511V, A514V.
Identifiers: ClinVar variation 3752141 (VCV003752141.2).
Genomic context (GRCh38, chr9:35,801,738, plus strand): 5'-TGTGGCGTATTCGCTGGGAAGAACTGCAGTTTGGCAACTCAGAGCGTTATCACAAAGGTG[C>T]AGGCAGTCGCCTCACACTGTCGCTGGTGAGCCCTTGTCTCAGCTGTTCCTCTGCCTCCCT-3'
Protein context (NP_003986.2, residues 501-521): FGNSERYHKG[Ala511Val]GSRLTLSLRG

ClinVar aggregate classification (germline): Uncertain significance (1 of 4 stars; one submission).

Conditions:
Tall stature-scoliosis-macrodactyly of the great toes syndrome. Also called: Epiphyseal chondrodysplasia, miura type. Identifiers: Orphanet 329191, MedGen C4014690, MONDO:0014401, OMIM 615923.
Acromesomelic dysplasia 1, Maroteaux type (AMD1). Also called: ACROMESOMELIC DYSPLASIA 1; ST. HELENA DYSPLASIA. Identifiers: Orphanet 40, MedGen C1864356, MONDO:0011275, OMIM 602875.

gnomAD v4.1: 1 of 1,614,188 alleles (0.000062%); highest among the groups gnomAD compares: Non-Finnish European, 0.000085%; no homozygotes.

Submission:

Labcorp Genetics (formerly Invitae), Labcorp
Classification: Uncertain significance for Tall stature-scoliosis-macrodactyly of the great toes syndrome; Acromesomelic dysplasia 1, Maroteaux type. Last evaluated: 2024-04-10. Review status: criteria provided, single submitter. Criteria: Invitae Variant Classification Sherloc (09022015). Collection method: clinical testing. Allele origin: germline.
Comment: This sequence change replaces alanine, which is neutral and non-polar, with valine, which is neutral and non-polar, at codon 511 of the NPR2 protein (p.Ala511Val). This variant is not present in population databases (gnomAD no frequency). This variant has not been reported in the literature in individuals affected with NPR2-related conditions. Advanced modeling of protein sequence and biophysical properties (such as structural, functional, and spatial information, amino acid conservation, physicochemical variation, residue mobility, and thermodynamic stability) performed at Invitae indicates that this missense variant is not expected to disrupt NPR2 protein function with a negative predictive value of 80%. In summary, the available evidence is currently insufficient to determine the role of this variant in disease. Therefore, it has been classified as a Variant of Uncertain Significance.